The following is an entry in ClinVar:

ClinVar aggregate classification (germline): Likely benign (1 of 4 stars; one submission).

gnomAD v4.1: 43 of 1,608,688 alleles (0.0027%); highest among the groups gnomAD compares: Admixed American, 0.0051%; no homozygotes.

Submission:

CeGaT Center for Human Genetics Tuebingen
Classification: Likely benign. Last evaluated: 2026-09-01. Review status: criteria provided, single submitter. Criteria: CeGaT Center For Human Genetics Tuebingen Variant Classification Criteria Version 2. Collection method: clinical testing. Allele origin: germline. Affected: yes. Observed: 1 variant allele.
Comment: CENPE: BP4, BP7

NM_001813.3(CENPE):c.3228T>C (p.Asn1076=)

Gene: CENPE (centromere protein E; minus strand). Cytogenetic location: 4q24.
Variant type: single nucleotide variant.
Coding change: c.3228T>C on transcript NM_001813.3 (MANE Select); coding-DNA position 3228, T replaced by C.
Protein change: p.Asn1076=; no amino-acid change (asparagine 1076 retained).
Molecular consequence: synonymous variant.
Genome position (GRCh38, 1-based): chr4:103,153,056, A>G on the plus strand (T>C on the coding strand, the complement: CENPE is on the minus strand). VCF-style: chr4-103153056-A-G. GRCh37 (hg19) VCF-style: chr4-104074213-A-G.
Other names: c.3153T>C, p.Asn1051= (NM_001286734.2).
Identifiers: ClinVar variation 5041058 (VCV005041058.1).